The following is an entry in ClinVar:

NM_181426.2(CCDC39):c.1222G>A (p.Glu408Lys)

Gene: CCDC39 (coiled-coil domain 39 molecular ruler complex subunit; minus strand). Cytogenetic location: 3q26.33.
Variant type: single nucleotide variant.
Coding change: c.1222G>A on transcript NM_181426.2 (MANE Select); coding-DNA position 1222, G replaced by A.
Protein change: p.Glu408Lys; replaces glutamic acid 408 with lysine.
Molecular consequence: missense variant.
Genome position (GRCh38, 1-based): chr3:180,648,305, C>T on the plus strand (G>A on the coding strand, the complement: CCDC39 is on the minus strand). VCF-style: chr3-180648305-C-T. GRCh37 (hg19) VCF-style: chr3-180366093-C-T.
Other names: short protein forms E408K.
Identifiers: ClinVar variation 638904 (VCV000638904.8), dbSNP rs538640066, ClinGen allele CA2715987.

ClinVar aggregate classification (germline): Uncertain significance. Review status: criteria provided, multiple submitters, no conflicts (2 of 4 stars). 2 submissions from 2 submitters: Uncertain significance (2). Last evaluated 2025-10-28.

Conditions:
Primary ciliary dyskinesia. Also called: Ciliary dyskinesia. Identifiers: Orphanet 244, MedGen C0008780, MONDO:0016575, HP:0012265.

Allele frequency attached by ClinVar (database versions not stated): gnomAD exomes below 0.00001; TOPMed below 0.00001; ExAC 0.00001; gnomAD 0.00001 and 0.00002; 1000 Genomes Project 0.00040; 1000 Genomes Project 30x 0.00047.
gnomAD v4.1: 5 of 1,609,928 alleles (0.00031%); highest among the groups gnomAD compares: Admixed American, 0.0067%; no homozygotes.

Submissions (2):

Ambry Genetics
Classification: Uncertain significance for Primary ciliary dyskinesia. Last evaluated: 2025-10-28. Review status: criteria provided, single submitter. Criteria: Ambry Variant Classification Scheme 2023. Collection method: clinical testing. Allele origin: germline.

Labcorp Genetics (formerly Invitae), Labcorp
Classification: Uncertain significance for Primary ciliary dyskinesia. Last evaluated: 2024-07-23. Review status: criteria provided, single submitter. Criteria: Invitae Variant Classification Sherloc (09022015). Collection method: clinical testing. Allele origin: germline.
Comment: This sequence change replaces glutamic acid, which is acidic and polar, with lysine, which is basic and polar, at codon 408 of the CCDC39 protein (p.Glu408Lys). This variant is present in population databases (rs538640066, gnomAD 0.003%). This variant has not been reported in the literature in individuals affected with CCDC39-related conditions. ClinVar contains an entry for this variant (Variation ID: 638904). An algorithm developed to predict the effect of missense changes on protein structure and function outputs the following: PolyPhen-2: "Benign". The lysine amino acid residue is found in multiple mammalian species, which suggests that this missense change does not adversely affect protein function. In summary, the available evidence is currently insufficient to determine the role of this variant in disease. Therefore, it has been classified as a Variant of Uncertain Significance.